The following is an entry in ClinVar:

NM_000277.3(PAH):c.665A>T (p.Asp222Val)

Gene: PAH (phenylalanine hydroxylase; minus strand). Cytogenetic location: 12q23.2.
Variant type: single nucleotide variant.
Coding change: c.665A>T on transcript NM_000277.3 (MANE Select); coding-DNA position 665, A replaced by T.
Protein change: p.Asp222Val; replaces aspartic acid 222 with valine.
Molecular consequence: missense variant.
Genome position (GRCh38, 1-based): chr12:102,855,177, T>A on the plus strand (A>T on the coding strand, the complement: PAH is on the minus strand). VCF-style: chr12-102855177-T-A. GRCh37 (hg19) VCF-style: chr12-103248955-T-A.
Other names: NM_000277.1(PAH):c.665A>T; c.665A>T, p.Asp222Val (NM_001354304.2); short protein forms D222V.
Identifiers: ClinVar variation 102776 (VCV000102776.7), dbSNP rs62507319, ClinGen allele CA229681.

ClinVar aggregate classification (germline): Likely pathogenic. Review status: reviewed by expert panel (3 of 4 stars). 4 submissions from 4 submitters: Likely pathogenic (1). 3 of the submissions do not count toward it. Last evaluated 2020-08-17.

Conditions:
Phenylketonuria (PKU). Also called: Phenylketonuria (PKU); FOLLING DISEASE; OLIGOPHRENIA PHENYLPYRUVICA; Phenylketonurias. Identifiers: Orphanet 716, MedGen C0031485, MONDO:0009861, OMIM 261600. Disease mechanism: loss of function.

gnomAD v4.1: 1 of 1,614,110 alleles (0.000062%); highest among the groups gnomAD compares: Non-Finnish European, 0.000085%; no homozygotes.

Submissions (4):

ClinGen PAH Variant Curation Expert Panel
Classification: Likely pathogenic for Phenylketonuria. Last evaluated: 2020-08-17. Review status: reviewed by expert panel. Criteria: ClinGen PAH ACMG Specifications v1. Collection method: curation. Allele origin: germline. Inheritance: Autosomal recessive inheritance.
Comment: The c.665A>T (p.Asp222Val) variant in PAH has been reported in multiple individuals with PAH deficiency (BH4 deficiency excluded, PMID: 21147011, 9012412). This variant is absent in population databases. This variant was detected with pathogenic variants p.R243X and p.R241H (PMID: 21147011). Computational evidence support a deleterious effect. In summary, this variant meets criteria to be classified as likely pathogenic for PAH. PAH-specific ACMG/AMP criteria applied: PP4_Moderate, PM2, PM3, PP3.

Myriad Genetics, Inc.
Classification: Likely pathogenic for Phenylketonuria. Last evaluated: 2025-06-05. Review status: criteria provided, single submitter. Criteria: Myriad Autosomal Dominant, Autosomal Recessive and X-Linked Classification Criteria (2023). Collection method: clinical testing. Allele origin: unknown. Not counted in ClinVar's aggregate classification.
Comment: NM_000277.1(PAH):c.665A>T(D222V) is a missense variant classified as likely pathogenic in the context of phenylalanine hydroxylase deficiency. D222V has been observed in cases with relevant disease (PMID: 9012412, 21147011, 31332730, 32668217). Relevant functional assessments of this variant are not available in the literature. D222V has not been observed in referenced population frequency databases. In summary, NM_000277.1(PAH):c.665A>T(D222V) is a missense variant that has been observed more frequently in cases with the relevant disease than in healthy populations. Please note: this variant was assessed in the context of healthy population screening.

Labcorp Genetics (formerly Invitae), Labcorp
Classification: Pathogenic for Phenylketonuria. Last evaluated: 2023-09-08. Review status: criteria provided, single submitter. Criteria: Invitae Variant Classification Sherloc (09022015). Collection method: clinical testing. Allele origin: germline. Not counted in ClinVar's aggregate classification.
Comment: This sequence change replaces aspartic acid, which is acidic and polar, with valine, which is neutral and non-polar, at codon 222 of the PAH protein (p.Asp222Val). This variant is not present in population databases (gnomAD no frequency). This missense change has been observed in individuals with phenylketonuria (PMID: 21147011, 32668217). ClinVar contains an entry for this variant (Variation ID: 102776). Advanced modeling of protein sequence and biophysical properties (such as structural, functional, and spatial information, amino acid conservation, physicochemical variation, residue mobility, and thermodynamic stability) performed at Invitae indicates that this missense variant is expected to disrupt PAH protein function. This variant disrupts the p.Asp222 amino acid residue in PAH. Other variant(s) that disrupt this residue have been determined to be pathogenic (PMID: 9429153, 10598814). This suggests that this residue is clinically significant, and that variants that disrupt this residue are likely to be disease-causing. For these reasons, this variant has been classified as Pathogenic.

DeBelle Laboratory for Biochemical Genetics, MUHC/MCH RESEARCH INSTITUTE
No classification provided. Review status: no classification provided. Collection method: not provided. Allele origin: not provided. Not counted in ClinVar's aggregate classification.

Literature cited by the submitters: PubMed 21147011 (cited by 3 submitters); PubMed 9012412 (cited by ClinGen PAH Variant Curation Expert Panel and Myriad Genetics, Inc.); PubMed 31332730 (cited by Myriad Genetics, Inc.); PubMed 32668217 (cited by Myriad Genetics, Inc. and Labcorp Genetics (formerly Invitae), Labcorp); PubMed 9429153 (cited by Labcorp Genetics (formerly Invitae), Labcorp); PubMed 10598814 (cited by Labcorp Genetics (formerly Invitae), Labcorp).